The following is an entry in ClinVar:

NM_015338.6(ASXL1):c.3351C>A (p.Pro1117=)

Gene: ASXL1 (ASXL transcriptional regulator 1; plus strand). Cytogenetic location: 20q11.21.
Variant type: single nucleotide variant.
Coding change: c.3351C>A on transcript NM_015338.6 (MANE Select); coding-DNA position 3351, C replaced by A.
Protein change: p.Pro1117=; no amino-acid change (proline 1117 retained).
Molecular consequence: synonymous variant.
Genome position (GRCh38, 1-based): chr20:32,436,063, C>A. VCF-style: chr20-32436063-C-A. GRCh37 (hg19) VCF-style: chr20-31023866-C-A.
Other names: c.3168C>A, p.Pro1056= (NM_001363734.1).
Identifiers: ClinVar variation 338107 (VCV000338107.31), dbSNP rs373603259, ClinGen allele CA9808799.

ClinVar aggregate classification (germline): Likely benign. Review status: criteria provided, multiple submitters, no conflicts (2 of 4 stars). 6 submissions from 6 submitters: Likely benign (5). 1 of the submissions does not count toward it. Last evaluated 2025-09-02.

Conditions:
Inborn genetic diseases. Identifiers: MedGen C0950123, MeSH D030342.
ASXL1-related disorder. Also called: ASXL1-related disorders; ASXL1-related condition.

Allele frequency attached by ClinVar (database versions not stated): ExAC 0.00003; gnomAD exomes 0.00012; ESP Exome Variant Server 0.00015; TOPMed 0.00022; gnomAD 0.00029.
gnomAD v4.1: 396 of 1,614,020 alleles (0.025%); highest among the groups gnomAD compares: Admixed American, 0.05%; no homozygotes.

Submissions (6):

Labcorp Genetics (formerly Invitae), Labcorp
Classification: Likely benign. Last evaluated: 2025-09-02. Review status: criteria provided, single submitter. Criteria: Invitae Variant Classification Sherloc (09022015). Collection method: clinical testing. Allele origin: germline.

CeGaT Center for Human Genetics Tuebingen
Classification: Likely benign. Last evaluated: 2024-12-01. Review status: criteria provided, single submitter. Criteria: CeGaT Center For Human Genetics Tuebingen Variant Classification Criteria Version 2. Collection method: clinical testing. Allele origin: germline. Affected: yes. Observed: 1 variant allele.
Comment: ASXL1: BP4, BP7

Ambry Genetics
Classification: Likely benign for Inborn genetic diseases. Last evaluated: 2024-11-22. Review status: criteria provided, single submitter. Criteria: Ambry Variant Classification Scheme 2023. Collection method: clinical testing. Allele origin: germline.

Blueprint Genetics
Classification: Likely benign. Last evaluated: 2024-10-04. Review status: criteria provided, single submitter. Criteria: ACMG Guidelines, 2015. Collection method: clinical testing. Allele origin: germline.

GeneDx
Classification: Likely benign. Last evaluated: 2020-11-24. Review status: criteria provided, single submitter. Criteria: GeneDx Variant Classification Process June 2021. Collection method: clinical testing. Allele origin: germline. Affected: yes.

PreventionGenetics, part of Exact Sciences
Classification: Likely benign for ASXL1-related condition. Last evaluated: 2022-01-28. Review status: no assertion criteria provided. Collection method: clinical testing. Allele origin: germline. Not counted in ClinVar's aggregate classification.
Comment: This variant is classified as likely benign based on ACMG/AMP sequence variant interpretation guidelines (Richards et al. 2015 PMID: 25741868, with internal and published modifications).